The following is an entry in ClinVar:

NM_000182.5(HADHA):c.1469del (p.Arg490fs)

Genes: GAREM2 (GRB2 associated regulator of MAPK1 subtype 2; plus strand), HADHA (hydroxyacyl-CoA dehydrogenase trifunctional multienzyme complex subunit alpha; minus strand). Cytogenetic location: 2p23.3.
Variant type: Deletion.
Coding change: c.1469del on transcript NM_000182.5 (MANE Select); coding-DNA position 1469, one base deleted (G; older notation c.1469delG).
Protein change: p.Arg490fs; shifts the reading frame from arginine 490.
Molecular consequence: frameshift variant.
Genome position (GRCh38, 1-based): chr2:26,197,701, C deleted on the plus strand (G on the coding strand, the reverse complement: HADHA is on the minus strand). VCF-style (leftmost placement, unchanged base first): chr2-26197700-TC-T. GRCh37 (hg19) VCF-style: chr2-26420569-TC-T.
Other names: short protein forms R490fs.
Identifiers: ClinVar variation 5012647 (VCV005012647.1).

ClinVar aggregate classification (germline): Pathogenic (1 of 4 stars; one submission).

Conditions:
Long chain 3-hydroxyacyl-CoA dehydrogenase deficiency. Also called: Deficiency of long-chain 3-hydroxyacyl-coenzyme A dehydrogenase; LCHAD Deficiency. Identifiers: Orphanet 5, MedGen C3711645, MONDO:0012173, OMIM 609016.

Submission:

Myriad Genetics, Inc.
Classification: Pathogenic for Long chain 3-hydroxyacyl-CoA dehydrogenase deficiency. Last evaluated: 2024-01-14. Review status: criteria provided, single submitter. Criteria: Myriad Autosomal Dominant, Autosomal Recessive and X-Linked Classification Criteria (2023). Collection method: clinical testing. Allele origin: unknown.
Comment: NM_000182.4(HADHA):c.1469delG(R490Nfs*5) is expected to be pathogenic in the context of HADHA-related disorders. This variant is predicted to lead to an abnormal or absent protein product due to the creation of a premature termination codon in HADHA, a gene where loss-of-function variants are known to be pathogenic. Please note: this variant was assessed in the context of healthy population screening.